The following is an entry in ClinVar:

NM_001378454.1(ALMS1):c.2665A>T (p.Ile889Phe)

Gene: ALMS1 (ALMS1 centrosome and basal body associated protein; plus strand). Cytogenetic location: 2p13.1.
Variant type: single nucleotide variant.
Coding change: c.2665A>T on transcript NM_001378454.1 (MANE Select); coding-DNA position 2665, A replaced by T.
Protein change: p.Ile889Phe; replaces isoleucine 889 with phenylalanine.
Molecular consequence: missense variant.
Genome position (GRCh38, 1-based): chr2:73,449,192, A>T. VCF-style: chr2-73449192-A-T. GRCh37 (hg19) VCF-style: chr2-73676319-A-T.
Other names: c.2668A>T, p.Ile890Phe (NM_015120.4); short protein forms I890F, I889F.
Identifiers: ClinVar variation 2157400 (VCV002157400.3), dbSNP rs377282102, ClinGen allele CA347270995.
Genomic context (GRCh38, chr2:73,449,192, plus strand): 5'-GCTTTCTATCAGCAGACCTTACCCAATAGTCATCTAACTGAAGAGGCTCTGAAAGTATCA[A>T]TTGTTCCTGGACCAGGTGATCAGAAGACTGGGATACCCTCAGCACCATCTAGTTTCTACT-3'
Protein context (NP_001365383.1, residues 879-899): HLTEEALKVS[Ile889Phe]VPGPGDQKTG

ClinVar aggregate classification (germline): Uncertain significance (1 of 4 stars; one submission).

Conditions:
Alstrom syndrome (ALMS). Identifiers: Orphanet 64, MedGen C0268425, MONDO:0008763, OMIM 203800.

gnomAD v4.1: 3 of 1,613,906 alleles (0.00019%); highest among the groups gnomAD compares: Admixed American, 0.0033%; no homozygotes.

Submission:

Labcorp Genetics (formerly Invitae), Labcorp
Classification: Uncertain significance for Alstrom syndrome. Last evaluated: 2024-04-16. Review status: criteria provided, single submitter. Criteria: Invitae Variant Classification Sherloc (09022015). Collection method: clinical testing. Allele origin: germline.
Comment: This sequence change replaces isoleucine, which is neutral and non-polar, with phenylalanine, which is neutral and non-polar, at codon 890 of the ALMS1 protein (p.Ile890Phe). This variant is present in population databases (no rsID available, gnomAD 0.003%). This variant has not been reported in the literature in individuals affected with ALMS1-related conditions. ClinVar contains an entry for this variant (Variation ID: 2157400). Experimental studies and prediction algorithms are not available or were not evaluated, and the functional significance of this variant is currently unknown. In summary, the available evidence is currently insufficient to determine the role of this variant in disease. Therefore, it has been classified as a Variant of Uncertain Significance.